The following is an entry in ClinVar:

ClinVar aggregate classification (germline): Uncertain significance (1 of 4 stars; one submission).

Submission:

Women's Health and Genetics/Laboratory Corporation of America, LabCorp
Classification: Uncertain significance. Last evaluated: 2022-07-08. Review status: criteria provided, single submitter. Criteria: LabCorp Variant Classification Summary - May 2015. Collection method: clinical testing. Allele origin: germline.
Comment: Variant summary: The variant identified by MLPA or other technology involves the duplication of the entire coding sequence of the DCAF17 gene. A presumed nomenclature of c.(?_-328)_(*3939_?)dup has been designated for the purposes of this classification. It has been assumed that this is a tandem duplication in direct orientation (Richardson_GIM_2018, Newman_AJHG_2015). The variant was absent in 21694 control chromosomes (gnomAD, Structural Variants dataset). The available data on variant occurrences in the general population are insufficient to allow any conclusion about variant significance. To our knowledge, no occurrence of c.(?_-328)_(*3939_?)dup in individuals affected with Neurodegeneration With Brain Iron Accumulation and no experimental evidence demonstrating its impact on protein function have been reported. No clinical diagnostic laboratories have submitted clinical-significance assessments for this variant to ClinVar after 2014. Based on the evidence outlined above, the variant was classified as uncertain significance.

NC_000002.11:g.(?_172290760)_(172341563_?)dup

Genes: DCAF17 (DDB1 and CUL4 associated factor 17; plus strand), METTL8 (methyltransferase 8, methylcytidine; minus strand). Cytogenetic location: 2q31.1.
Variant type: Duplication.
Identifiers: ClinVar variation 1704599 (VCV001704599.1).